The following is an entry in ClinVar:

ClinVar aggregate classification (germline): Pathogenic/Likely pathogenic. Review status: criteria provided, multiple submitters, no conflicts (2 of 4 stars). 4 submissions from 4 submitters: Pathogenic (1); Likely pathogenic (2). 1 of the submissions does not count toward it. Last evaluated 2024-03-04.

Conditions:
Congenital lactic acidosis, Saguenay-Lac-Saint-Jean type (MC4DN5). Also called: CYTOCHROME c OXIDASE DEFICIENCY, FRENCH CANADIAN TYPE; COX DEFICIENCY, FRENCH CANADIAN TYPE; MITOCHONDRIAL COMPLEX IV DEFICIENCY, NUCLEAR TYPE 5. Identifiers: Orphanet 70472, MedGen C1857355, MONDO:0009069, OMIM 220111.

Submissions (4):

Labcorp Genetics (formerly Invitae), Labcorp
Classification: Pathogenic. Last evaluated: 2024-03-04. Review status: criteria provided, single submitter. Criteria: Invitae Variant Classification Sherloc (09022015). Collection method: clinical testing. Allele origin: germline.
Comment: This sequence change creates a premature translational stop signal (p.Arg197*) in the LRPPRC gene. It is expected to result in an absent or disrupted protein product. Loss-of-function variants in LRPPRC are known to be pathogenic (PMID: 26510951). This variant is not present in population databases (gnomAD no frequency). This variant has not been reported in the literature in individuals affected with LRPPRC-related conditions. ClinVar contains an entry for this variant (Variation ID: 555594). For these reasons, this variant has been classified as Pathogenic.

Baylor Genetics
Classification: Likely pathogenic for Congenital lactic acidosis, Saguenay-Lac-Saint-Jean type. Last evaluated: 2023-04-18. Review status: criteria provided, single submitter. Criteria: ACMG Guidelines, 2015. Collection method: clinical testing. Allele origin: unknown.

Juno Genomics, Hangzhou Juno Genomics, Inc
Classification: Likely pathogenic for Congenital lactic acidosis, Saguenay-Lac-Saint-Jean type. Review status: criteria provided, single submitter. Criteria: ACMG Guidelines, 2015. Collection method: clinical testing. Allele origin: germline.
Comment: Null variant in a gene where loss of function (LOF) is a known mechanism of disease.;Absent from controls (or at extremely low frequency if recessive) in Genome Aggregation Database.

Counsyl
Classification: Likely pathogenic for Congenital lactic acidosis, Saguenay-Lac-Saint-Jean type. Last evaluated: 2017-12-13. Review status: no assertion criteria provided. Collection method: clinical testing. Allele origin: unknown. Not counted in ClinVar's aggregate classification.

Literature cited by the submitters: PubMed 26510951 (cited by Labcorp Genetics (formerly Invitae), Labcorp).

NM_133259.4(LRPPRC):c.589C>T (p.Arg197Ter)

Gene: LRPPRC (leucine rich pentatricopeptide repeat containing; minus strand). Cytogenetic location: 2p21.
Variant type: single nucleotide variant.
Coding change: c.589C>T on transcript NM_133259.4 (MANE Select); coding-DNA position 589, C replaced by T.
Protein change: p.Arg197Ter; replaces arginine 197 with a stop codon.
Molecular consequence: nonsense.
Genome position (GRCh38, 1-based): chr2:43,977,157, G>A on the plus strand (C>T on the coding strand, the complement: LRPPRC is on the minus strand). VCF-style: chr2-43977157-G-A. GRCh37 (hg19) VCF-style: chr2-44204296-G-A.
Other names: short protein forms R197*.
Identifiers: ClinVar variation 555594 (VCV000555594.8), dbSNP rs989113962, ClinGen allele CA46445914.